The following is an entry in ClinVar:

ClinVar aggregate classification (germline): Pathogenic (0 of 4 stars; one submission).

Submission:

GenMed Metabolism Lab
Classification: Pathogenic. Review status: no assertion criteria provided. Collection method: not provided. Allele origin: unknown.
Comment: p.Leu131Ser, Late
ClinVar note: Converted during submission from pathogenic to Pathogenic.

NM_000531.6(OTC):c.392T>C (p.Leu131Ser)

Gene: OTC (ornithine transcarbamylase; plus strand). Cytogenetic location: Xp11.4.
Variant type: single nucleotide variant.
Coding change: c.392T>C on transcript NM_000531.6 (MANE Select); coding-DNA position 392, T replaced by C.
Protein change: p.Leu131Ser; replaces leucine 131 with serine.
Molecular consequence: missense variant.
Genome position (GRCh38, 1-based): chrX:38,401,280, T>C. VCF-style: chrX-38401280-T-C. GRCh37 (hg19) VCF-style: chrX-38260533-T-C.
Other names: short protein forms L131S.
Identifiers: ClinVar variation 97186 (VCV000097186.2), dbSNP rs72556252, ClinGen allele CA224578.
Genomic context (GRCh38, chrX:38,401,280, plus strand): 5'-TAAGGCATTATTAAGCATAATTATCTTAGATTATCTTTTTCTTGGTTTGCCACAGTGTAT[T>C]GTCTAGCATGGCAGATGCAGTATTGGCTCGAGTGTATAAACAATCAGATTTGGACACCCT-3'
Protein context (NP_000522.3, residues 121-141): NESLTDTARV[Leu131Ser]SSMADAVLAR